The following is an entry in ClinVar:

ClinVar aggregate classification (germline): Uncertain significance. Review status: criteria provided, multiple submitters, no conflicts (2 of 4 stars). 3 submissions from 3 submitters: Uncertain significance (3). Last evaluated 2024-11-21.

Conditions:
Inborn genetic diseases. Identifiers: MedGen C0950123, MeSH D030342.

Allele frequency attached by ClinVar (database versions not stated): ExAC 0.00001; gnomAD exomes 0.00001; TOPMed 0.00002; gnomAD 0.00003.
gnomAD v4.1: 9 of 1,611,448 alleles (0.00056%); highest among the groups gnomAD compares: African/African-American, 0.0027%; no homozygotes.

Submissions (3):

Blueprint Genetics
Classification: Uncertain significance. Last evaluated: 2024-11-21. Review status: criteria provided, single submitter. Criteria: ACMG Guidelines, 2015. Collection method: clinical testing. Allele origin: germline.

Labcorp Genetics (formerly Invitae), Labcorp
Classification: Uncertain significance. Last evaluated: 2024-02-02. Review status: criteria provided, single submitter. Criteria: Invitae Variant Classification Sherloc (09022015). Collection method: clinical testing. Allele origin: germline.
Comment: This sequence change replaces glycine, which is neutral and non-polar, with arginine, which is basic and polar, at codon 56 of the NEUROD1 protein (p.Gly56Arg). The frequency data for this variant in the population databases is considered unreliable, as metrics indicate poor data quality at this position in the gnomAD database. This variant has not been reported in the literature in individuals affected with NEUROD1-related conditions. ClinVar contains an entry for this variant (Variation ID: 1045418). Advanced modeling of protein sequence and biophysical properties (such as structural, functional, and spatial information, amino acid conservation, physicochemical variation, residue mobility, and thermodynamic stability) performed at Invitae indicates that this missense variant is not expected to disrupt NEUROD1 protein function with a negative predictive value of 80%. In summary, the available evidence is currently insufficient to determine the role of this variant in disease. Therefore, it has been classified as a Variant of Uncertain Significance.

Ambry Genetics
Classification: Uncertain significance for Inborn genetic diseases. Last evaluated: 2023-05-31. Review status: criteria provided, single submitter. Criteria: Ambry Variant Classification Scheme 2023. Collection method: clinical testing. Allele origin: germline.

NM_002500.5(NEUROD1):c.166G>A (p.Gly56Arg)

Gene: NEUROD1 (neuronal differentiation 1; minus strand). Cytogenetic location: 2q31.3.
Variant type: single nucleotide variant.
Coding change: c.166G>A on transcript NM_002500.5 (MANE Select); coding-DNA position 166, G replaced by A.
Protein change: p.Gly56Arg; replaces glycine 56 with arginine.
Molecular consequence: missense variant.
Genome position (GRCh38, 1-based): chr2:181,678,695, C>T on the plus strand (G>A on the coding strand, the complement: NEUROD1 is on the minus strand). VCF-style: chr2-181678695-C-T. GRCh37 (hg19) VCF-style: chr2-182543422-C-T.
Other names: c.166G>A (NM_002500.3); short protein forms G56R.
Identifiers: ClinVar variation 1045418 (VCV001045418.11), dbSNP rs755021991, ClinGen allele CA2011176.